The following is an entry in ClinVar:

NM_000271.5(NPC1):c.463+4_463+5dup

Gene: NPC1 (NPC intracellular cholesterol transporter 1; minus strand). Cytogenetic location: 18q11.2.
Variant type: Duplication.
Coding change: c.463+4_463+5dup on transcript NM_000271.5 (MANE Select); bases 4 to 5 of the intron after coding-DNA position 463, 2 bases duplicated (AG; older notation c.463+4_463+5dupAG).
Molecular consequence: intron variant.
Genome position (GRCh38, 1-based): chr18:23,568,818-23,568,819, CT duplicated on the plus strand (AG on the coding strand, the reverse complement: NPC1 is on the minus strand). VCF-style (leftmost placement, unchanged base first): chr18-23568817-A-ACT. GRCh37 (hg19) VCF-style: chr18-21148781-A-ACT.
Identifiers: ClinVar variation 1487868 (VCV001487868.6), dbSNP rs2145526225, ClinGen allele CA2573155240.
Genomic context (GRCh38, chr18:23,568,817, plus strand): 5'-AAGGAACAATTTGCTCTGCTGTCCTGATGCCAGCTGTAAAAGAGGAATAATTAAAAGTTT[A>ACT]CTTACCATTGGCAAAACTCTGTCCGACGTAGTATTGTAACTCTTTCACATTTGTTTTCGT-3'

ClinVar aggregate classification (germline): Uncertain significance (1 of 4 stars; one submission).

Conditions:
Niemann-Pick disease, type C1. Also called: NIEMANN-PICK DISEASE, VARIANT TYPE C1; NEUROVISCERAL STORAGE DISEASE WITH VERTICAL SUPRANUCLEAR OPHTHALMOPLEGIA; NIEMANN-PICK DISEASE WITH CHOLESTEROL ESTERIFICATION BLOCK; NIEMANN-PICK DISEASE WITHOUT SPHINGOMYELINASE DEFICIENCY; NIEMANN-PICK DISEASE, CHRONIC NEURONOPATHIC FORM. Identifiers: Orphanet 646, MedGen C3179455, MONDO:0009757, OMIM 257220.

Submission:

Labcorp Genetics (formerly Invitae), Labcorp
Classification: Uncertain significance for Niemann-Pick disease, type C1. Last evaluated: 2022-12-06. Review status: criteria provided, single submitter. Criteria: Invitae Variant Classification Sherloc (09022015). Collection method: clinical testing. Allele origin: germline.
Comment: In summary, the available evidence is currently insufficient to determine the role of this variant in disease. Therefore, it has been classified as a Variant of Uncertain Significance. Variants that disrupt the consensus splice site are a relatively common cause of aberrant splicing (PMID: 17576681, 9536098). Algorithms developed to predict the effect of sequence changes on RNA splicing suggest that this variant is not likely to affect RNA splicing. ClinVar contains an entry for this variant (Variation ID: 1487868). This variant has not been reported in the literature in individuals affected with NPC1-related conditions. This variant is not present in population databases (gnomAD no frequency). This sequence change falls in intron 4 of the NPC1 gene. It does not directly change the encoded amino acid sequence of the NPC1 protein. It affects a nucleotide within the consensus splice site.

Literature cited by the submitters: PubMed 17576681; PubMed 9536098.